The following is an entry in ClinVar:

ClinVar aggregate classification (germline): Uncertain significance (1 of 4 stars; one submission).

Conditions:
Cardiovascular phenotype. Identifiers: MedGen CN230736.

Submission:

Ambry Genetics
Classification: Uncertain significance for Cardiovascular phenotype. Last evaluated: 2026-01-25. Review status: criteria provided, single submitter. Criteria: Ambry Variant Classification Scheme 2023. Collection method: clinical testing. Allele origin: germline.
Comment: The p.P471R variant (also known as c.1412C>G), located in coding exon 11 of the ABCA1 gene, results from a C to G substitution at nucleotide position 1412. The proline at codon 471 is replaced by arginine, an amino acid with dissimilar properties. This amino acid position is conserved. In addition, the in silico prediction for this alteration is inconclusive. Based on the available evidence, the clinical significance of this variant remains unclear.

NM_005502.4(ABCA1):c.1412C>G (p.Pro471Arg)

Gene: ABCA1 (ATP binding cassette subfamily A member 1; minus strand). Cytogenetic location: 9q31.1.
Variant type: single nucleotide variant.
Coding change: c.1412C>G on transcript NM_005502.4 (MANE Select); coding-DNA position 1412, C replaced by G.
Protein change: p.Pro471Arg; replaces proline 471 with arginine.
Molecular consequence: missense variant.
Genome position (GRCh38, 1-based): chr9:104,832,671, G>C on the plus strand (C>G on the coding strand, the complement: ABCA1 is on the minus strand). VCF-style: chr9-104832671-G-C. GRCh37 (hg19) VCF-style: chr9-107594952-G-C.
Other names: short protein forms P471R.
Identifiers: ClinVar variation 4825555 (VCV004825555.1).
Genomic context (GRCh38, chr9:104,832,671, plus strand): 5'-GTCTCGTTGAAAGCTTCTCTCCAGGTGTACACAGAACCATTACTGGACTGGACATCCTCT[G>C]GGTGCTTGGCCAAAAACGCCACGATGTCTTGGGCTGTCCAATCTAAGCCATCCAACTGCT-3'
Protein context (NP_005493.2, residues 461-481): QDIVAFLAKH[Pro471Arg]EDVQSSNGSV